The following is an entry in ClinVar:

ClinVar aggregate classification (germline): Likely benign (1 of 4 stars; one submission).

Submission:

CeGaT Center for Human Genetics Tuebingen
Classification: Likely benign. Last evaluated: 2024-12-01. Review status: criteria provided, single submitter. Criteria: CeGaT Center For Human Genetics Tuebingen Variant Classification Criteria Version 2. Collection method: clinical testing. Allele origin: germline. Affected: yes. Observed: 1 variant allele.
Comment: MUC2: BP4, BP7

NM_002457.5(MUC2):c.189C>T (p.Phe63=)

Gene: MUC2 (mucin 2, oligomeric mucus/gel-forming; plus strand). Cytogenetic location: 11p15.5.
Variant type: single nucleotide variant.
Coding change: c.189C>T on transcript NM_002457.5 (MANE Select); coding-DNA position 189, C replaced by T.
Protein change: p.Phe63=; no amino-acid change (phenylalanine 63 retained).
Molecular consequence: synonymous variant.
Genome position (GRCh38, 1-based): chr11:1,075,763, C>T. VCF-style: chr11-1075763-C-T. GRCh37 (hg19) VCF-style: chr11-1075763-C-T.
Identifiers: ClinVar variation 3771115 (VCV003771115.13).